The following is an entry in ClinVar:

ClinVar aggregate classification (germline): Benign/Likely benign. Review status: criteria provided, multiple submitters, no conflicts (2 of 4 stars). 4 submissions from 4 submitters: Benign (2); Likely benign (2). Last evaluated 2026-07-01.

Allele frequency attached by ClinVar (database versions not stated): 1000 Genomes Project 30x 0.00016; 1000 Genomes Project 0.00020.
gnomAD v4.1: 387 of 1,576,658 alleles (0.025%); highest among the groups gnomAD compares: Admixed American, 0.11%; no homozygotes.

Submissions (4):

CeGaT Center for Human Genetics Tuebingen
Classification: Likely benign. Last evaluated: 2026-07-01. Review status: criteria provided, single submitter. Criteria: CeGaT Center For Human Genetics Tuebingen Variant Classification Criteria Version 2. Collection method: clinical testing. Allele origin: germline. Affected: yes. Observed: 1 variant allele.
Comment: KIAA1549: BP4, BP7

Labcorp Genetics (formerly Invitae), Labcorp
Classification: Benign. Last evaluated: 2026-01-07. Review status: criteria provided, single submitter. Criteria: Invitae Variant Classification Sherloc (09022015). Collection method: clinical testing. Allele origin: germline.

Blueprint Genetics
Classification: Likely benign. Last evaluated: 2024-07-22. Review status: criteria provided, single submitter. Criteria: ACMG Guidelines, 2015. Collection method: clinical testing. Allele origin: germline.

Breakthrough Genomics
Classification: Benign. Review status: criteria provided, single submitter. Criteria: ACMG Guidelines, 2015. Collection method: not provided. Allele origin: germline. Inheritance: Autosomal recessive inheritance. Affected: yes.

NM_001164665.2(KIAA1549):c.5523G>A (p.Pro1841=)

Gene: KIAA1549 (KIAA1549; minus strand). Cytogenetic location: 7q34.
Variant type: single nucleotide variant.
Coding change: c.5523G>A on transcript NM_001164665.2 (MANE Select); coding-DNA position 5523, G replaced by A.
Protein change: p.Pro1841=; no amino-acid change (proline 1841 retained).
Molecular consequence: synonymous variant.
Genome position (GRCh38, 1-based): chr7:138,840,208, C>T on the plus strand (G>A on the coding strand, the complement: KIAA1549 is on the minus strand). VCF-style: chr7-138840208-C-T. GRCh37 (hg19) VCF-style: chr7-138524953-C-T.
Other names: c.5523G>A, p.Pro1841= (NM_020910.3).
Identifiers: ClinVar variation 1168627 (VCV001168627.9), dbSNP rs199869689, ClinGen allele CA4505530.